The following is an entry in ClinVar:

NM_001330260.2(SCN8A):c.3982A>G (p.Met1328Val)

Gene: SCN8A (sodium voltage-gated channel alpha subunit 8; plus strand). Cytogenetic location: 12q13.13.
Variant type: single nucleotide variant.
Coding change: c.3982A>G on transcript NM_001330260.2 (MANE Select); coding-DNA position 3982, A replaced by G.
Protein change: p.Met1328Val; replaces methionine 1328 with valine.
Molecular consequence: missense variant.
Genome position (GRCh38, 1-based): chr12:51,786,581, A>G. VCF-style: chr12-51786581-A-G. GRCh37 (hg19) VCF-style: chr12-52180365-A-G.
Other names: c.3859A>G, p.Met1287Val (NM_001177984.3, NM_001369788.1); c.3982A>G, p.Met1328Val (NM_014191.4); short protein forms M1287V, M1328V.
Identifiers: ClinVar variation 1471659 (VCV001471659.10), dbSNP rs1938092498, ClinGen allele CA384904591.

ClinVar aggregate classification (germline): Uncertain significance. Review status: criteria provided, multiple submitters, no conflicts (2 of 4 stars). 2 submissions from 2 submitters: Uncertain significance (2). Last evaluated 2025-02-16.

Conditions:
Early-infantile DEE. Also called: Ohtahara syndrome; Early infantile epileptic encephalopathy with suppression bursts; Early infantile epileptic encephalopathy. Identifiers: Orphanet 1934, MedGen C0393706, MONDO:0800491.

Submissions (2):

Laboratory of Genetics, Children's Clinical University Hospital Latvia
Classification: Uncertain significance. Last evaluated: 2025-02-16. Review status: criteria provided, single submitter. Criteria: ACMG Guidelines, 2015. Collection method: clinical testing. Allele origin: germline. Affected: yes.

Labcorp Genetics (formerly Invitae), Labcorp
Classification: Uncertain significance for Early-infantile DEE. Last evaluated: 2021-04-24. Review status: criteria provided, single submitter. Criteria: Invitae Variant Classification Sherloc (09022015). Collection method: clinical testing. Allele origin: germline.
Comment: Algorithms developed to predict the effect of missense changes on protein structure and function are either unavailable or do not agree on the potential impact of this missense change (SIFT: "Deleterious"; PolyPhen-2: "Probably Damaging"; Align-GVGD: "Class C0"). In summary, the available evidence is currently insufficient to determine the role of this variant in disease. Therefore, it has been classified as a Variant of Uncertain Significance. This variant has not been reported in the literature in individuals with SCN8A-related conditions. This variant is not present in population databases (ExAC no frequency). This sequence change replaces methionine with valine at codon 1328 of the SCN8A protein (p.Met1328Val). The methionine residue is highly conserved and there is a small physicochemical difference between methionine and valine.